The following is an entry in ClinVar:

ClinVar aggregate classification (germline): Uncertain significance (1 of 4 stars; one submission).

Conditions:
Inborn genetic diseases. Identifiers: MedGen C0950123, MeSH D030342.

gnomAD v4.1: 3 of 1,614,188 alleles (0.00019%); no homozygotes.

Submission:

Ambry Genetics
Classification: Uncertain significance for Inborn genetic diseases. Last evaluated: 2026-03-09. Review status: criteria provided, single submitter. Criteria: Ambry Variant Classification Scheme 2023. Collection method: clinical testing. Allele origin: germline.
Comment: The p.I794V variant (also known as c.2380A>G), located in coding exon 12 of the BMPR2 gene, results from an A to G substitution at nucleotide position 2380. The isoleucine at codon 794 is replaced by valine, an amino acid with highly similar properties. This amino acid position is conserved. In addition, this alteration is predicted to be tolerated by in silico analysis. Based on the available evidence, the clinical significance of this variant remains unclear.

NM_001204.7(BMPR2):c.2380A>G (p.Ile794Val)

Gene: BMPR2 (bone morphogenetic protein receptor type 2; plus strand). Cytogenetic location: 2q33.2.
Variant type: single nucleotide variant.
Coding change: c.2380A>G on transcript NM_001204.7 (MANE Select); coding-DNA position 2380, A replaced by G.
Protein change: p.Ile794Val; replaces isoleucine 794 with valine.
Molecular consequence: missense variant.
Genome position (GRCh38, 1-based): chr2:202,556,045, A>G. VCF-style: chr2-202556045-A-G. GRCh37 (hg19) VCF-style: chr2-203420768-A-G.
Other names: short protein forms I794V.
Identifiers: ClinVar variation 4827193 (VCV004827193.1).